The following is an entry in ClinVar:

NM_000260.4(MYO7A):c.612C>A (p.Thr204=)

Gene: MYO7A (myosin VIIA; plus strand). Cytogenetic location: 11q13.5.
Variant type: single nucleotide variant.
Coding change: c.612C>A on transcript NM_000260.4 (MANE Select); coding-DNA position 612, C replaced by A.
Protein change: p.Thr204=; no amino-acid change (threonine 204 retained).
Molecular consequence: synonymous variant.
Genome position (GRCh38, 1-based): chr11:77,156,881, C>A. VCF-style: chr11-77156881-C-A. GRCh37 (hg19) VCF-style: chr11-76867927-C-A.
Other names: c.612C>A, p.Thr204= (NM_001127180.2); c.579C>A, p.Thr193= (NM_001369365.1).
Identifiers: ClinVar variation 506130 (VCV000506130.4), dbSNP rs1555062863, ClinGen allele CA475886802.

ClinVar aggregate classification (germline): Likely benign (1 of 4 stars; one submission).

Allele frequency attached by ClinVar (database versions not stated): gnomAD exomes below 0.00001; TOPMed below 0.00001.
gnomAD v4.1: 1 of 1,613,988 alleles (0.000062%); highest among the groups gnomAD compares: Non-Finnish European, 0.000085%; no homozygotes.

Submission:

Laboratory for Molecular Medicine, Mass General Brigham Personalized Medicine
Classification: Likely benign. Last evaluated: 2017-09-04. Review status: criteria provided, single submitter. Criteria: LMM Criteria. Collection method: clinical testing. Allele origin: germline. Observed: 1 variant allele.
Comment: p.Thr204Thr in exon 7 of MYO7A: This variant is not expected to have clinical si gnificance because it does not alter an amino acid residue and is not located wi thin the splice consensus sequence. This variant has been identified in 1/111690 of European chromosomes by the Genome Aggregation Database (gnomAD).